The following is an entry in ClinVar:

NM_015450.3(POT1):c.314C>T (p.Thr105Met)

Gene: POT1 (protection of telomeres 1; minus strand). Cytogenetic location: 7q31.33.
Variant type: single nucleotide variant.
Coding change: c.314C>T on transcript NM_015450.3 (MANE Select); coding-DNA position 314, C replaced by T.
Protein change: p.Thr105Met; replaces threonine 105 with methionine.
Molecular consequence: missense variant. On other transcripts: 5 prime UTR variant (1), non-coding transcript variant (3).
Genome position (GRCh38, 1-based): chr7:124,863,582, G>A on the plus strand (C>T on the coding strand, the complement: POT1 is on the minus strand). VCF-style: chr7-124863582-G-A. GRCh37 (hg19) VCF-style: chr7-124503636-G-A.
Other names: c.-80C>T (NM_001042594.2); short protein forms T105M.
Identifiers: ClinVar variation 436391 (VCV000436391.23), dbSNP rs1554426994, ClinGen allele CA369060200.

ClinVar aggregate classification (germline): Uncertain significance. Review status: criteria provided, multiple submitters, no conflicts (2 of 4 stars). 4 submissions from 4 submitters: Uncertain significance (4). Last evaluated 2025-12-08.

Conditions:
Tumor predisposition syndrome 3 (TPDS3). Also called: Glioma susceptibility 9; LONG TELOMERE SYNDROME, POT1-RELATED; POT1 Tumor Predisposition; Melanoma, cutaneous malignant, susceptibility to, 10. Identifiers: Orphanet 618, MedGen C4014476, MONDO:0014368, OMIM 615848.
Hereditary cancer-predisposing syndrome. Also called: Tumor predisposition; Hereditary Cancer Syndrome; Hereditary neoplastic syndrome; Neoplastic Syndromes, Hereditary. Identifiers: Orphanet 140162, MedGen C0027672, MeSH D009386, MONDO:0015356.

Allele frequency attached by ClinVar (database versions not stated): gnomAD exomes below 0.00001.

Submissions (4):

Labcorp Genetics (formerly Invitae), Labcorp
Classification: Uncertain significance for Tumor predisposition syndrome 3. Last evaluated: 2025-12-08. Review status: criteria provided, single submitter. Criteria: Invitae Variant Classification Sherloc (09022015). Collection method: clinical testing. Allele origin: germline.
Comment: This sequence change replaces threonine, which is neutral and polar, with methionine, which is neutral and non-polar, at codon 105 of the POT1 protein (p.Thr105Met). This variant is not present in population databases (gnomAD no frequency). This missense change has been observed in individual(s) with melanoma and/or sarcoma (PMID: 32325837; internal data). ClinVar contains an entry for this variant (Variation ID: 436391). Invitae Evidence Modeling of protein sequence and biophysical properties (such as structural, functional, and spatial information, amino acid conservation, physicochemical variation, residue mobility, and thermodynamic stability) indicates that this missense variant is not expected to disrupt POT1 protein function with a negative predictive value of 80%. In summary, the available evidence is currently insufficient to determine the role of this variant in disease. Therefore, it has been classified as a Variant of Uncertain Significance.

Ambry Genetics
Classification: Uncertain significance for Hereditary cancer-predisposing syndrome. Last evaluated: 2024-06-19. Review status: criteria provided, single submitter. Criteria: Ambry Variant Classification Scheme 2023. Collection method: clinical testing. Allele origin: germline.
Comment: The p.T105M variant (also known as c.314C>T), located in coding exon 4 of the POT1 gene, results from a C to T substitution at nucleotide position 314. The threonine at codon 105 is replaced by methionine, an amino acid with similar properties. This variant has been identified in an individual with multiple primary melanomas who tested negative for mutations in CDKN2A and CDK4 (Pastorino L et al. Cancers (Basel), 2020 04;12). This amino acid position is highly conserved in available vertebrate species. In addition, the in silico prediction for this alteration is inconclusive. Since supporting evidence is limited at this time, the clinical significance of this alteration remains unclear.

GeneDx
Classification: Uncertain significance. Last evaluated: 2022-06-01. Review status: criteria provided, single submitter. Criteria: GeneDx Variant Classification Process June 2021. Collection method: clinical testing. Allele origin: germline. Affected: yes.
Comment: Not observed at significant frequency in large population cohorts (gnomAD); In silico analysis supports that this missense variant does not alter protein structure/function; Observed in an individual with multiple primary melanomas (Pastorino 2020); This variant is associated with the following publications: (PMID: 32325837, 28393830)

Genetic Services Laboratory, University of Chicago
Classification: Uncertain significance. Last evaluated: 2016-10-26. Review status: criteria provided, single submitter. Criteria: ACMG Guidelines, 2015. Collection method: clinical testing. Allele origin: germline. Affected: no.

Literature cited by the submitters: PubMed 32325837 (cited by Labcorp Genetics (formerly Invitae), Labcorp and Ambry Genetics).